The following is an entry in ClinVar:

NM_022455.5(NSD1):c.6614A>G (p.His2205Arg)

Gene: NSD1 (nuclear receptor binding SET domain protein 1; plus strand). Cytogenetic location: 5q35.3.
Variant type: single nucleotide variant.
Coding change: c.6614A>G on transcript NM_022455.5 (MANE Select); coding-DNA position 6614, A replaced by G.
Protein change: p.His2205Arg; replaces histidine 2205 with arginine.
Molecular consequence: missense variant.
Genome position (GRCh38, 1-based): chr5:177,293,982, A>G. VCF-style: chr5-177293982-A-G. GRCh37 (hg19) VCF-style: chr5-176720983-A-G.
Other names: c.5741A>G, p.His1914Arg (NM_001365684.2, NM_001409308.1, NM_172349.5); c.6614A>G, p.His2205Arg (NM_001409301.1, NM_001409302.1, NM_001409303.1); c.6194A>G, p.His2065Arg (NM_001409304.1); c.5861A>G, p.His1954Arg (NM_001409305.1); c.5852A>G, p.His1951Arg (NM_001409306.1, NM_001409307.1); c.5492A>G, p.His1831Arg (NM_001409309.1); short protein forms H1951R, H2205R, H1831R, H1936R, H1954R, H1914R, H2065R.
Identifiers: ClinVar variation 2136355 (VCV002136355.30), dbSNP rs2127279532, ClinGen allele CA362324354.

ClinVar aggregate classification (germline): Pathogenic/Likely pathogenic. Review status: criteria provided, multiple submitters, no conflicts (2 of 4 stars). 2 submissions from 2 submitters: Pathogenic (1); Likely pathogenic (1). Last evaluated 2023-01-01.

Submissions (2):

CeGaT Center for Human Genetics Tuebingen
Classification: Pathogenic. Last evaluated: 2023-01-01. Review status: criteria provided, single submitter. Criteria: CeGaT Center For Human Genetics Tuebingen Variant Classification Criteria Version 2. Collection method: clinical testing. Allele origin: germline. Affected: yes. Observed: 1 variant allele.
Comment: NSD1: PS1, PM1, PM2, PP2, PP3

Labcorp Genetics (formerly Invitae), Labcorp
Classification: Likely pathogenic. Last evaluated: 2022-09-30. Review status: criteria provided, single submitter. Criteria: Invitae Variant Classification Sherloc (09022015). Collection method: clinical testing. Allele origin: germline.
Comment: This sequence change replaces histidine, which is basic and polar, with arginine, which is basic and polar, at codon 2205 of the NSD1 protein (p.His2205Arg). This variant is not present in population databases (gnomAD no frequency). This missense change has been observed in individuals with clinical features of Sotos syndrome (PMID: 15942875, 16222665; Invitae). Advanced modeling of protein sequence and biophysical properties (such as structural, functional, and spatial information, amino acid conservation, physicochemical variation, residue mobility, and thermodynamic stability) performed at Invitae indicates that this missense variant is expected to disrupt NSD1 protein function. Experimental studies are conflicting or provide insufficient evidence to determine the effect of this variant on NSD1 function (PMID: 21972110). This variant disrupts the p.His2205 amino acid residue in NSD1. Other variant(s) that disrupt this residue have been observed in individuals with NSD1-related conditions (PMID: 15942875, 23333153, 34033256), which suggests that this may be a clinically significant amino acid residue. In summary, the currently available evidence indicates that the variant is pathogenic, but additional data are needed to prove that conclusively. Therefore, this variant has been classified as Likely Pathogenic.

Literature cited by the submitters: PubMed 15942875 (cited by Labcorp Genetics (formerly Invitae), Labcorp); PubMed 16222665 (cited by Labcorp Genetics (formerly Invitae), Labcorp); PubMed 21972110 (cited by Labcorp Genetics (formerly Invitae), Labcorp); PubMed 23333153 (cited by Labcorp Genetics (formerly Invitae), Labcorp); PubMed 34033256 (cited by Labcorp Genetics (formerly Invitae), Labcorp).